The following is an entry in ClinVar:

ClinVar aggregate classification (germline): Uncertain significance. Review status: criteria provided, multiple submitters, no conflicts (2 of 4 stars). 2 submissions from 2 submitters: Uncertain significance (2). Last evaluated 2024-08-05.

Allele frequency attached by ClinVar (database versions not stated): gnomAD 0.00001; TOPMed 0.00002.
gnomAD v4.1: 9 of 1,614,068 alleles (0.00056%); highest among the groups gnomAD compares: Non-Finnish European, 0.00076%; no homozygotes.

Submissions (2):

Ambry Genetics
Classification: Uncertain significance. Last evaluated: 2024-08-05. Review status: criteria provided, single submitter. Criteria: Ambry Variant Classification Scheme 2023. Collection method: clinical testing. Allele origin: germline.

Labcorp Genetics (formerly Invitae), Labcorp
Classification: Uncertain significance. Last evaluated: 2022-05-10. Review status: criteria provided, single submitter. Criteria: Invitae Variant Classification Sherloc (09022015). Collection method: clinical testing. Allele origin: germline.
Comment: This sequence change replaces arginine, which is basic and polar, with glycine, which is neutral and non-polar, at codon 397 of the IFNAR2 protein (p.Arg397Gly). This variant is present in population databases (no rsID available, gnomAD 0.0009%). This variant has not been reported in the literature in individuals affected with IFNAR2-related conditions. Algorithms developed to predict the effect of missense changes on protein structure and function output the following: SIFT: "Tolerated"; PolyPhen-2: "Probably Damaging"; Align-GVGD: "Class C0". The glycine amino acid residue is found in multiple mammalian species, which suggests that this missense change does not adversely affect protein function. In summary, the available evidence is currently insufficient to determine the role of this variant in disease. Therefore, it has been classified as a Variant of Uncertain Significance.

NM_001289125.3(IFNAR2):c.1189A>G (p.Arg397Gly)

Genes: IFNAR2 (interferon alpha and beta receptor subunit 2; plus strand), IFNAR2-IL10RB (IFNAR2-IL10RB readthrough; plus strand). Cytogenetic location: 21q22.11.
Variant type: single nucleotide variant.
Coding change: c.1189A>G on transcript NM_001289125.3 (MANE Select); coding-DNA position 1189, A replaced by G.
Protein change: p.Arg397Gly; replaces arginine 397 with glycine.
Molecular consequence: missense variant. On other transcripts: 3 prime UTR variant (5).
Genome position (GRCh38, 1-based): chr21:33,263,141, A>G. VCF-style: chr21-33263141-A-G. GRCh37 (hg19) VCF-style: chr21-34635446-A-G.
Other names: c.*425A>G (NM_000874.5, NM_207584.3); c.*338A>G (NM_001289126.2, NM_001289128.2); c.*564A>G (NM_001385054.1); c.1189A>G, p.Arg397Gly (NM_001385055.1, NM_207585.3); short protein forms R397G.
Identifiers: ClinVar variation 1912569 (VCV001912569.4), dbSNP rs1173689837, ClinGen allele CA410105357.
Genomic context (GRCh38, chr21:33,263,141, plus strand): 5'-CTCCCCACGATGCCAAAGGACAGCCCTCAGCAGTTGGAACTCTTGAGTGGGCCCTGTGAG[A>G]GGAGAAAGAGTCCACTCCAGGACCCTTTTCCCGAAGAGGACTACAGCTCCACGGAGGGGT-3'
Protein context (NP_001276054.1, residues 387-407): QLELLSGPCE[Arg397Gly]RKSPLQDPFP